The following is an entry in ClinVar:

ClinVar aggregate classification (germline): Benign/Likely benign. Review status: criteria provided, multiple submitters, no conflicts (2 of 4 stars). 4 submissions from 4 submitters: Benign (1); Likely benign (3). Last evaluated 2025-06-11.

Conditions:
Hereditary cancer-predisposing syndrome. Also called: Neoplastic Syndromes, Hereditary; Hereditary Cancer Syndrome; Hereditary neoplastic syndrome; Tumor predisposition. Identifiers: Orphanet 140162, MedGen C0027672, MeSH D009386, MONDO:0015356.
Tuberous sclerosis syndrome (TSC). Also called: Tuberous Sclerosis Complex; Tuberous sclerosis. Identifiers: Orphanet 805, MedGen C0041341, MONDO:0001734.
Tuberous sclerosis 2 (TSC2). Identifiers: Orphanet 805, MedGen C1860707, MONDO:0013199, OMIM 613254.

Submissions (4):

Labcorp Genetics (formerly Invitae), Labcorp
Classification: Likely benign for Tuberous sclerosis 2. Last evaluated: 2025-06-11. Review status: criteria provided, single submitter. Criteria: Invitae Variant Classification Sherloc (09022015). Collection method: clinical testing. Allele origin: germline.

Myriad Genetics, Inc.
Classification: Benign for Tuberous sclerosis 2. Last evaluated: 2025-05-13. Review status: criteria provided, single submitter. Criteria: Myriad Autosomal Dominant, Autosomal Recessive and X-Linked Classification Criteria (2023). Collection method: clinical testing. Allele origin: unknown.
Comment: This variant is considered benign. This variant is a silent/synonymous amino acid change and it is not expected to impact splicing.

All of Us Research Program, National Institutes of Health
Classification: Likely benign for Tuberous sclerosis syndrome. Last evaluated: 2023-10-02. Review status: criteria provided, single submitter. Criteria: ACMG Guidelines, 2015. Collection method: clinical testing. Allele origin: germline. Inheritance: Autosomal dominant inheritance. Observed: 2 variant alleles, 2 heterozygotes.
Comment: This study involves interpretation of variants in research participants for the purpose of population health screening. Participant phenotype was not available at the time of variant classification. Additional details can be found in publication PMID: 35346344, PMCID: PMC8962531

Ambry Genetics
Classification: Likely benign for Hereditary cancer-predisposing syndrome. Last evaluated: 2020-04-29. Review status: criteria provided, single submitter. Criteria: Ambry Variant Classification Scheme 2023. Collection method: clinical testing. Allele origin: germline.

NM_000548.5(TSC2):c.1092C>T (p.Ile364=)

Gene: TSC2 (TSC complex subunit 2; plus strand). Cytogenetic location: 16p13.3.
Variant type: single nucleotide variant.
Coding change: c.1092C>T on transcript NM_000548.5 (MANE Select); coding-DNA position 1092, C replaced by T.
Protein change: p.Ile364=; no amino-acid change (isoleucine 364 retained).
Molecular consequence: synonymous variant.
Genome position (GRCh38, 1-based): chr16:2,060,786, C>T. VCF-style: chr16-2060786-C-T. GRCh37 (hg19) VCF-style: chr16-2110787-C-T.
Other names: c.1092C>T, p.Ile364= (NM_001077183.3, NM_001114382.3, NM_001363528.2 and 3 more transcripts); c.981C>T, p.Ile327= (NM_001318827.2); c.945C>T, p.Ile315= (NM_001318829.2); c.492C>T, p.Ile164= (NM_001318831.2); c.1125C>T, p.Ile375= (NM_001318832.2).
Identifiers: ClinVar variation 1159179 (VCV001159179.13), dbSNP rs2151138326, ClinGen allele CA492961088.